The following is an entry in ClinVar:

ClinVar aggregate classification (germline): Uncertain significance (1 of 4 stars; one submission).

Conditions:
Diamond-Blackfan anemia. Also called: Blackfan Diamond syndrome; Aregenerative anemia chronic congenital; Red cell aplasia, pure hereditary; Congenital hypoplastic anemia; Aase syndrome. Identifiers: Orphanet 124, MedGen C1260899, MeSH D029503, MONDO:0015253, HP:0004810.

Allele frequency attached by ClinVar (database versions not stated): gnomAD exomes below 0.00001.
gnomAD v4.1: 1 of 1,614,172 alleles (0.000062%); highest among the groups gnomAD compares: Non-Finnish European, 0.000085%; no homozygotes.

Submission:

Labcorp Genetics (formerly Invitae), Labcorp
Classification: Uncertain significance for Diamond-Blackfan anemia. Last evaluated: 2023-01-07. Review status: criteria provided, single submitter. Criteria: Invitae Variant Classification Sherloc (09022015). Collection method: clinical testing. Allele origin: germline.
Comment: In summary, the available evidence is currently insufficient to determine the role of this variant in disease. Therefore, it has been classified as a Variant of Uncertain Significance. Algorithms developed to predict the effect of missense changes on protein structure and function are either unavailable or do not agree on the potential impact of this missense change (SIFT: "Deleterious"; PolyPhen-2: "Probably Damaging"; Align-GVGD: "Class C0"). This variant has not been reported in the literature in individuals affected with RPL11-related conditions. This variant is not present in population databases (gnomAD no frequency). This sequence change replaces cysteine, which is neutral and slightly polar, with arginine, which is basic and polar, at codon 72 of the RPL11 protein (p.Cys72Arg).

NM_000975.5(RPL11):c.214T>C (p.Cys72Arg)

Gene: RPL11 (ribosomal protein L11; plus strand). Cytogenetic location: 1p36.11.
Variant type: single nucleotide variant.
Coding change: c.214T>C on transcript NM_000975.5 (MANE Select); coding-DNA position 214, T replaced by C.
Protein change: p.Cys72Arg; replaces cysteine 72 with arginine.
Molecular consequence: missense variant.
Genome position (GRCh38, 1-based): chr1:23,693,863, T>C. VCF-style: chr1-23693863-T-C. GRCh37 (hg19) VCF-style: chr1-24020353-T-C.
Other names: c.211T>C, p.Cys71Arg (NM_001199802.1); short protein forms C71R, C72R.
Identifiers: ClinVar variation 2826780 (VCV002826780.3), dbSNP rs2523398260, ClinGen allele CA338992820.